The following is an entry in ClinVar:

NM_001128228.3(TPRN):c.1513C>T (p.Pro505Ser)

Gene: TPRN (taperin; minus strand). Cytogenetic location: 9q34.3.
Variant type: single nucleotide variant.
Coding change: c.1513C>T on transcript NM_001128228.3 (MANE Select); coding-DNA position 1513, C replaced by T.
Protein change: p.Pro505Ser; replaces proline 505 with serine.
Molecular consequence: missense variant.
Genome position (GRCh38, 1-based): chr9:137,199,199, G>A on the plus strand (C>T on the coding strand, the complement: TPRN is on the minus strand). VCF-style: chr9-137199199-G-A. GRCh37 (hg19) VCF-style: chr9-140093651-G-A.
Other names: short protein forms P505S.
Identifiers: ClinVar variation 1199133 (VCV001199133.10), dbSNP rs532297600, ClinGen allele CA5362721.

ClinVar aggregate classification (germline): Likely benign. Review status: criteria provided, multiple submitters, no conflicts (2 of 4 stars). 2 submissions from 2 submitters: Likely benign (2). Last evaluated 2024-09-30.

Allele frequency attached by ClinVar (database versions not stated): gnomAD 0.00014 and 0.00016; TOPMed 0.00019; 1000 Genomes Project 0.00020; 1000 Genomes Project 30x 0.00031; ExAC 0.00038.
gnomAD v4.1: 157 of 1,613,158 alleles (0.0097%); highest among the groups gnomAD compares: East Asian, 0.25%; no homozygotes.

Submissions (2):

Labcorp Genetics (formerly Invitae), Labcorp
Classification: Likely benign. Last evaluated: 2024-09-30. Review status: criteria provided, single submitter. Criteria: Invitae Variant Classification Sherloc (09022015). Collection method: clinical testing. Allele origin: germline.

GeneDx
Classification: Likely benign. Last evaluated: 2020-12-04. Review status: criteria provided, single submitter. Criteria: GeneDx Variant Classification Process June 2021. Collection method: clinical testing. Allele origin: germline. Affected: yes.
Comment: This variant is associated with the following publications: (PMID: 27610647)